The following is an entry in ClinVar:

ClinVar aggregate classification (germline): Likely benign (1 of 4 stars; one submission).

Conditions:
GNAS-related disorder. Identifiers: MedGen CN380105.

Submission:

PreventionGenetics, part of Exact Sciences
Classification: Likely benign for GNAS-related condition. Last evaluated: 2025-07-24. Review status: criteria provided, single submitter. Criteria: ACMG Guidelines, 2015. Collection method: clinical testing. Allele origin: germline.
Comment: This variant is classified as likely benign based on ACMG/AMP sequence variant interpretation guidelines (Richards et al. 2015 PMID: 25741868, with internal and published modifications).

NM_000516.7(GNAS):c.*214dup

Gene: GNAS (GNAS complex locus; plus strand). Cytogenetic location: 20q13.32.
Variant type: Duplication.
Coding change: c.*214dup on transcript NM_000516.7 (MANE Select); 214 bases downstream of the stop codon, one base duplicated (A; older notation c.*214dupA).
Molecular consequence: 3 prime UTR variant.
Genome position (GRCh38, 1-based): chr20:58,911,043, A duplicated; the last of 6 consecutive A bases (chr20:58,911,038-58,911,043); duplicating any one gives the same sequence. VCF-style (leftmost placement, unchanged base first): chr20-58911037-G-GA. GRCh37 (hg19) VCF-style: chr20-57486092-G-GA.
Other names: c.*214dup (NM_001077488.5, NM_001077489.4, NM_001309840.2 and 10 more transcripts); c.*1260dup (NM_001077490.3); c.*1305dup (NM_016592.5).
Identifiers: ClinVar variation 5002312 (VCV005002312.1).